The following is an entry in ClinVar:

ClinVar aggregate classification (germline): Uncertain significance (1 of 4 stars; one submission).

Submission:

Ambry Genetics
Classification: Uncertain significance. Last evaluated: 2026-04-19. Review status: criteria provided, single submitter. Criteria: Ambry Variant Classification Scheme 2023. Collection method: clinical testing. Allele origin: germline.
Comment: The p.A97V variant (also known as c.290C>T), located in coding exon 1 of the WNK2 gene, results from a C to T substitution at nucleotide position 290. The alanine at codon 97 is replaced by valine, an amino acid with similar properties. This amino acid position is conserved. In addition, this alteration is predicted to be tolerated by in silico analysis. Based on the available evidence, the clinical significance of this variant remains unclear.

NM_006648.4(WNK2):c.290C>T (p.Ala97Val)

Gene: WNK2 (WNK lysine deficient protein kinase 2; plus strand). Cytogenetic location: 9q22.31.
Variant type: single nucleotide variant.
Coding change: c.290C>T on transcript NM_006648.4 (MANE Select); coding-DNA position 290, C replaced by T.
Protein change: p.Ala97Val; replaces alanine 97 with valine.
Molecular consequence: missense variant.
Genome position (GRCh38, 1-based): chr9:93,185,219, C>T. VCF-style: chr9-93185219-C-T. GRCh37 (hg19) VCF-style: chr9-95947501-C-T.
Other names: c.290C>T, p.Ala97Val (NM_001282394.3); short protein forms A97V.
Identifiers: ClinVar variation 4866601 (VCV004866601.1).